The following is an entry in ClinVar:

NM_020693.4(DSCAML1):c.5215A>G (p.Ser1739Gly)

Gene: DSCAML1 (DS cell adhesion molecule like 1; minus strand). Cytogenetic location: 11q23.3.
Variant type: single nucleotide variant.
Coding change: c.5215A>G on transcript NM_020693.4 (MANE Select); coding-DNA position 5215, A replaced by G.
Protein change: p.Ser1739Gly; replaces serine 1739 with glycine.
Molecular consequence: missense variant.
Genome position (GRCh38, 1-based): chr11:117,431,693, T>C on the plus strand (A>G on the coding strand, the complement: DSCAML1 is on the minus strand). VCF-style: chr11-117431693-T-C. GRCh37 (hg19) VCF-style: chr11-117302409-T-C.
Other names: c.5395A>G (NM_020693.2); short protein forms S1739G.
Identifiers: ClinVar variation 1431887 (VCV001431887.7), dbSNP rs750648195, ClinGen allele CA6296127.
Genomic context (GRCh38, chr11:117,431,693, plus strand): 5'-CAGGTGTGGAGGCCTGGCACTTGGTCAGGGTCCACTGGCTTGAGTACCGGTTCCGGGTGC[T>C]GTGGGCTGACTTCACATTCTTCCTGGACACTGGATCTGCACAGACAGAAGCAAGAAATTG-3'
Protein context (NP_065744.3, residues 1729-1749): VSRKNVKSAH[Ser1739Gly]TRNRYSSQWT

ClinVar aggregate classification (germline): Uncertain significance. Review status: criteria provided, multiple submitters, no conflicts (2 of 4 stars). 2 submissions from 2 submitters: Uncertain significance (2). Last evaluated 2025-11-15.

Allele frequency attached by ClinVar (database versions not stated): ExAC 0.00003; TOPMed 0.00003; gnomAD 0.00005 and 0.00006; gnomAD exomes 0.00008 and 0.00009.
gnomAD v4.1: 136 of 1,602,730 alleles (0.0085%); highest among the groups gnomAD compares: Admixed American, 0.015%; no homozygotes.

Submissions (2):

Labcorp Genetics (formerly Invitae), Labcorp
Classification: Uncertain significance. Last evaluated: 2025-11-15. Review status: criteria provided, single submitter. Criteria: Invitae Variant Classification Sherloc (09022015). Collection method: clinical testing. Allele origin: germline.
Comment: This sequence change replaces serine, which is neutral and polar, with glycine, which is neutral and non-polar, at codon 1799 of the DSCAML1 protein (p.Ser1799Gly). This variant is present in population databases (rs750648195, gnomAD 0.02%). This variant has not been reported in the literature in individuals affected with DSCAML1-related conditions. ClinVar contains an entry for this variant (Variation ID: 1431887). An algorithm developed to predict the effect of missense changes on protein structure and function (PolyPhen-2) suggests that this variant is likely to be tolerated. In summary, the available evidence is currently insufficient to determine the role of this variant in disease. Therefore, it has been classified as a Variant of Uncertain Significance.

Ambry Genetics
Classification: Uncertain significance. Last evaluated: 2024-01-30. Review status: criteria provided, single submitter. Criteria: Ambry Variant Classification Scheme 2023. Collection method: clinical testing. Allele origin: germline.